The following is an entry in ClinVar:

NM_001323289.2(CDKL5):c.-189C>T

Gene: CDKL5 (cyclin dependent kinase like 5; plus strand). Cytogenetic location: Xp22.13.
Variant type: single nucleotide variant.
Coding change: c.-189C>T on transcript NM_001323289.2 (MANE Select); 189 bases upstream of the start codon, C replaced by T.
Molecular consequence: 5 prime UTR variant.
Genome position (GRCh38, 1-based): chrX:18,425,669, C>T. VCF-style: chrX-18425669-C-T. GRCh37 (hg19) VCF-style: chrX-18443789-C-T.
Other names: c.-189C>T (NM_003159.3).
Identifiers: ClinVar variation 189602 (VCV000189602.3), dbSNP rs786204994, ClinGen allele CA199423.

ClinVar aggregate classification (germline): Uncertain significance. Review status: criteria provided, single submitter (1 of 4 stars). 2 submissions from 2 submitters: Uncertain significance (1). 1 of the submissions does not count toward it. Last evaluated 2024-06-28.

Conditions:
CDKL5 disorder. Identifiers: MedGen CN296942, MONDO:0100039.
Atypical Rett syndrome. Also called: Rett like syndrome; Variant Rett Syndrome. Identifiers: Orphanet 3095, MedGen C2748910, MONDO:0017746.

Submissions (2):

Centre for Population Genomics, CPG
Classification: Uncertain significance for CDKL5 disorder. Last evaluated: 2024-06-28. Review status: criteria provided, single submitter. Criteria: McKnight et al. (Hum Mutat. 2022). Collection method: curation. Allele origin: germline. Inheritance: X-linked inheritance.
Comment: This variant has been collected from RettBASE and curated to current modified ACMG/AMP criteria. Based on the classification scheme defined by the ClinGen Rett/Angelman-like Expert Panel for Rett/AS-like Disorders Specifications to the ACMG/AMP Variant Interpretation Guidelines VCEP 3.0, this variant is classified as a variant of uncertain significance. At least the following criteria are met: Synonymous or intronic variant outside donor and acceptor splice regions where splicing prediction algorithms do not support significant splicing alteration (spliceAI score <=0.1) (BP4, BP7). This variant is absent from gnomAD v4 (PM2_Supporting).

RettBASE
Classification: Uncertain significance for Atypical Rett syndrome. Last evaluated: 2014-03-13. Review status: no assertion criteria provided. Collection method: curation. Allele origin: unknown. Affected: yes. Observed: 1 variant allele. Not counted in ClinVar's aggregate classification.
Comment: No parental testing, unreported SNP

Literature cited by the submitters: PubMed 16015284 (cited by RettBASE).